The following is an entry in ClinVar:

ClinVar aggregate classification (germline): Uncertain significance (1 of 4 stars; one submission).

Conditions:
Idiopathic generalized epilepsy. Also called: Generalised epilepsy; EIG. Identifiers: MedGen C0270850, MONDO:0005579, OMIM 600669.
Hyperaldosteronism, familial, type IV (HALD4). Also called: FH IV; ALDOSTERONISM, PRIMARY, AND HYPERTENSION. Identifiers: Orphanet 642671, MedGen C4310756, MONDO:0014875, OMIM 617027.

Submission:

Labcorp Genetics (formerly Invitae), Labcorp
Classification: Uncertain significance for Idiopathic generalized epilepsy; Hyperaldosteronism, familial, type IV. Last evaluated: 2025-05-12. Review status: criteria provided, single submitter. Criteria: Invitae Variant Classification Sherloc (09022015). Collection method: clinical testing. Allele origin: germline.
Comment: This sequence change replaces threonine, which is neutral and polar, with arginine, which is basic and polar, at codon 692 of the CACNA1H protein (p.Thr692Arg). This variant is not present in population databases (gnomAD no frequency). This variant has not been reported in the literature in individuals affected with CACNA1H-related conditions. ClinVar contains an entry for this variant (Variation ID: 2944797). Invitae Evidence Modeling of protein sequence and biophysical properties (such as structural, functional, and spatial information, amino acid conservation, physicochemical variation, residue mobility, and thermodynamic stability) indicates that this missense variant is not expected to disrupt CACNA1H protein function with a negative predictive value of 80%. In summary, the available evidence is currently insufficient to determine the role of this variant in disease. Therefore, it has been classified as a Variant of Uncertain Significance.

NM_021098.3(CACNA1H):c.2075C>G (p.Thr692Arg)

Gene: CACNA1H (calcium voltage-gated channel subunit alpha1 H; plus strand). Cytogenetic location: 16p13.3.
Variant type: single nucleotide variant.
Coding change: c.2075C>G on transcript NM_021098.3 (MANE Select); coding-DNA position 2075, C replaced by G.
Protein change: p.Thr692Arg; replaces threonine 692 with arginine.
Molecular consequence: missense variant.
Genome position (GRCh38, 1-based): chr16:1,204,082, C>G. VCF-style: chr16-1204082-C-G. GRCh37 (hg19) VCF-style: chr16-1254082-C-G.
Other names: c.2075C>G, p.Thr692Arg (NM_001005407.2); short protein forms T692R.
Identifiers: ClinVar variation 2944797 (VCV002944797.3), dbSNP rs2548656862, ClinGen allele CA394165531.